The following is an entry in ClinVar:

NM_000435.3(NOTCH3):c.967T>C (p.Cys323Arg)

Gene: NOTCH3 (notch receptor 3; minus strand). Cytogenetic location: 19p13.12.
Variant type: single nucleotide variant.
Coding change: c.967T>C on transcript NM_000435.3 (MANE Select); coding-DNA position 967, T replaced by C.
Protein change: p.Cys323Arg; replaces cysteine 323 with arginine.
Molecular consequence: missense variant.
Genome position (GRCh38, 1-based): chr19:15,191,493, A>G on the plus strand (T>C on the coding strand, the complement: NOTCH3 is on the minus strand). VCF-style: chr19-15191493-A-G. GRCh37 (hg19) VCF-style: chr19-15302304-A-G.
Other names: short protein forms C323R.
Identifiers: ClinVar variation 3768124 (VCV003768124.1).
Genomic context (GRCh38, chr19:15,191,493, plus strand): 5'-CCATGGGGCAGGCACAGTAGAAAGAAGCCACGCGGTCATGGCAGGTGGCCCCATGGAAGC[A>G]CACGGCTGTGGCACAGTCATCGATATTCTGACTGCAGCTCTCGCCTGTCCAGCCATTGAC-3'
Protein context (NP_000426.2, residues 313-333): QNIDDCATAV[Cys323Arg]FHGATCHDRV

ClinVar aggregate classification (germline): Uncertain significance (1 of 4 stars; one submission).

Submission:

Women's Health and Genetics/Laboratory Corporation of America, LabCorp
Classification: Uncertain significance. Last evaluated: 2024-12-11. Review status: criteria provided, single submitter. Criteria: LabCorp Variant Classification Summary - May 2015. Collection method: clinical testing. Allele origin: germline.
Comment: Variant summary: NOTCH3 c.967T>C (p.Cys323Arg) results in a non-conservative amino acid change located in the Epidermal growth factor domain (IPR000742) of the encoded protein sequence. Five of five in-silico tools predict a damaging effect of the variant on protein function. The variant was absent in 249676 control chromosomes. The available data on variant occurrences in the general population are insufficient to allow any conclusion about variant significance. To our knowledge, no occurrence of c.967T>C in individuals affected with Cerebral arteriopathy, autosomal dominant, with subcortical infarcts and leukoencephalopathy, type 1 and no experimental evidence demonstrating its impact on protein function have been reported. No submitters have cited clinical-significance assessments for this variant to ClinVar. Based on the evidence outlined above, the variant was classified as uncertain significance.